The following is an entry in ClinVar:

NM_153700.2(STRC):c.4845C>T (p.Ser1615=)

Gene: STRC (stereocilin; minus strand). Cytogenetic location: 15q15.3.
Variant type: single nucleotide variant.
Coding change: c.4845C>T on transcript NM_153700.2 (MANE Select); coding-DNA position 4845, C replaced by T.
Protein change: p.Ser1615=; no amino-acid change (serine 1615 retained).
Molecular consequence: synonymous variant.
Genome position (GRCh38, 1-based): chr15:43,600,682, G>A on the plus strand (C>T on the coding strand, the complement: STRC is on the minus strand). VCF-style: chr15-43600682-G-A. GRCh37 (hg19) VCF-style: chr15-43892880-G-A.
Identifiers: ClinVar variation 388811 (VCV000388811.8), dbSNP rs184909019, ClinGen allele CA7527856.

ClinVar aggregate classification (germline): Benign/Likely benign. Review status: criteria provided, multiple submitters, no conflicts (2 of 4 stars). 5 submissions from 5 submitters: Benign (1); Likely benign (4). Last evaluated 2025-09-01.

Conditions:
Autosomal recessive nonsyndromic hearing loss 16. Also called: DEAFNESS, AUTOSOMAL RECESSIVE 16; DFNB16 Nonsyndromic Hearing Loss and Deafness. Identifiers: Orphanet 90636, MedGen C1863561, MONDO:0011364, OMIM 603720.
Inborn genetic diseases. Identifiers: MedGen C0950123, MeSH D030342.

Allele frequency attached by ClinVar (database versions not stated): gnomAD 0.00010 and 0.00011; TOPMed 0.00012; ExAC 0.00023; gnomAD exomes 0.00025; 1000 Genomes Project 30x 0.00031; 1000 Genomes Project 0.00040.
gnomAD v4.1: 116 of 1,613,434 alleles (0.0072%); highest among the groups gnomAD compares: East Asian, 0.25%; 3 homozygotes.

Submissions (5):

Ambry Genetics
Classification: Likely benign for Inborn genetic diseases. Last evaluated: 2025-09-01. Review status: criteria provided, single submitter. Criteria: Ambry Variant Classification Scheme 2023. Collection method: clinical testing. Allele origin: germline.

Blueprint Genetics
Classification: Benign. Last evaluated: 2024-03-25. Review status: criteria provided, single submitter. Criteria: ACMG Guidelines, 2015. Collection method: clinical testing. Allele origin: germline.

Laboratory for Molecular Medicine, Mass General Brigham Personalized Medicine
Classification: Likely benign. Last evaluated: 2017-07-25. Review status: criteria provided, single submitter. Criteria: LMM Criteria. Collection method: clinical testing. Allele origin: germline. Observed: 1 variant allele.
Comment: p.Ser1615Ser in exon 26 of STRC: This variant is not expected to have clinical s ignificance because it has been identified in 0.38% (71/18854) of East Asian chr omosomes including 1 homozygote by the Genome Aggregation Database (gnomAD; dbSNP rs184909019). This variant does not alter a n amino acid residue; however, it is located in the first base of the exon. It is not predicted to impact splicing.

GeneDx
Classification: Likely benign. Last evaluated: 2016-08-29. Review status: criteria provided, single submitter. Criteria: GeneDx Variant Classification (06012015). Collection method: clinical testing. Allele origin: germline. Affected: yes.
Comment: This variant is considered likely benign or benign based on one or more of the following criteria: it is a conservative change, it occurs at a poorly conserved position in the protein, it is predicted to be benign by multiple in silico algorithms, and/or has population frequency not consistent with disease.

Genome-Nilou Lab
Classification: Likely benign for Autosomal recessive nonsyndromic hearing loss 16. Review status: criteria provided, single submitter. Criteria: ACMG Guidelines, 2015. Collection method: clinical testing. Allele origin: germline.